The following is an entry in ClinVar:

NM_014991.6(WDFY3):c.3148A>G (p.Thr1050Ala)

Gene: WDFY3 (WD repeat and FYVE domain containing 3; minus strand). Cytogenetic location: 4q21.23.
Variant type: single nucleotide variant.
Coding change: c.3148A>G on transcript NM_014991.6 (MANE Select); coding-DNA position 3148, A replaced by G.
Protein change: p.Thr1050Ala; replaces threonine 1050 with alanine.
Molecular consequence: missense variant.
Genome position (GRCh38, 1-based): chr4:84,796,540, T>C on the plus strand (A>G on the coding strand, the complement: WDFY3 is on the minus strand). VCF-style: chr4-84796540-T-C. GRCh37 (hg19) VCF-style: chr4-85717693-T-C.
Other names: short protein forms T1050A.
Identifiers: ClinVar variation 2503208 (VCV002503208.2), dbSNP rs2533792110, ClinGen allele CA357561346.

ClinVar aggregate classification (germline): Uncertain significance (1 of 4 stars; one submission).

Allele frequency attached by ClinVar (database versions not stated): gnomAD exomes below 0.00001.
gnomAD v4.1: 1 of 1,596,640 alleles (0.000063%); highest among the groups gnomAD compares: Non-Finnish European, 0.000085%; no homozygotes.

Submission:

GeneDx
Classification: Uncertain significance. Last evaluated: 2026-01-08. Review status: criteria provided, single submitter. Criteria: GeneDx Variant Classification Process June 2021. Collection method: clinical testing. Allele origin: germline.
Comment: Not observed at significant frequency in large population cohorts (gnomAD); In silico analysis suggests that this missense variant does not alter protein structure/function; Has not been previously published as pathogenic or benign to our knowledge